The following is an entry in ClinVar:

ClinVar aggregate classification (germline): Pathogenic. Review status: reviewed by expert panel (3 of 4 stars). 18 submissions from 18 submitters: Pathogenic (1). 17 of the submissions do not count toward it. Last evaluated 2024-06-11.

Conditions:
BRCA1-related cancer predisposition. Identifiers: MedGen CN377757, MONDO:0700268.
Breast and/or ovarian cancer. Identifiers: MedGen CN221562.
Hereditary cancer-predisposing syndrome. Also called: Tumor predisposition; Neoplastic Syndromes, Hereditary; Hereditary Cancer Syndrome; Hereditary neoplastic syndrome. Identifiers: Orphanet 140162, MedGen C0027672, MeSH D009386, MONDO:0015356.
Hereditary breast ovarian cancer syndrome. Also called: Hereditary breast and ovarian cancer syndrome (HBOC); Hereditary breast and ovarian cancer syndrome; Hereditary breast and ovarian cancer; Hereditary breast and/or ovarian cancer syndrome; Breast and ovarian cancer; BRCA1- and BRCA2-Associated Hereditary Breast and Ovarian Cancer. Identifiers: Orphanet 145, MedGen C0677776, MeSH D061325, MONDO:0003582. Disease mechanism: loss of function.
Breast-ovarian cancer, familial, susceptibility to, 1 (BROVCA1). Also called: OVARIAN CANCER, SUSCEPTIBILITY TO; BRCA1 Hereditary Breast and Ovarian Cancer. Identifiers: Orphanet 145, MedGen C2676676, MONDO:0011450, OMIM 604370. Disease mechanism: loss of function.
Familial cancer of breast. Also called: Hereditary breast cancer; hereditary breast carcinoma; BREAST CANCER, FAMILIAL. Identifiers: Orphanet 227535, MedGen C0346153, MONDO:0016419, OMIM 114480. Disease mechanism: loss of function.
Malignant tumor of breast. Also called: Malignant breast neoplasm; Cancer breast. Identifiers: MedGen C0006142, MONDO:0007254. Disease mechanism: loss of function.

Allele frequency attached by ClinVar (database versions not stated): gnomAD exomes below 0.00001; gnomAD 0.00001.
gnomAD v4.1: 2 of 1,574,274 alleles (0.00013%); highest among the groups gnomAD compares: Non-Finnish European, 0.00017%; no homozygotes.

Submissions 1 to 4 of 19:

ClinGen ENIGMA BRCA1 and BRCA2 Variant Curation Expert Panel, ClinGen
Classification: Pathogenic for BRCA1-related cancer predisposition. Last evaluated: 2024-06-11. Review status: reviewed by expert panel. Criteria: CSpec BRCA1/2ACMG Rules Specifications V1.0. Collection method: curation. Allele origin: germline. Inheritance: Autosomal dominant inheritance.
Comment: The c.212+3A>G variant is an intronic variant occurring in intron 4 of the BRCA1 gene. This variant is present in gnomAD v2.1 (exomes only, non-cancer subset) or gnomAD v3.1 (non-cancer subset) but is below the ENIGMA BRCA1/2 VCEP threshold >0.00002 for BS1_Supporting (PM2_Supporting, BS1, and BA1 are not met). This variant is reported to result in aberrant mRNA splicing. A combination of RT-PCR from patient samples and mini-gene assays demonstrated that the variant impacts splicing by skipping of 22nt from the 3' end of the exon, reported by five studies (PMIDs: 22505045, 11802209, 20215541, 21673748, 24667779). Two of these studies also reported skipping of exon 4 (PMIDs: 20215541, 24667779). Allele-specific expression was reported by one assay on patient-derived material (PMID: 22505045), which showed no WT transcript from the variant allele. This is in agreement with two minigene assays (PMIDs: 21673748, 24667779). One study reported no impact on splicing but no results are shown to assess whether the 22nt skipping event (that is seen in controls at low level) was increased (PMID: 16619214), and therefore, has been excluded from consideration when assessing the splicing impact of this variant. Appropriate code strength determined by comparison of results to PVS1 decision tree (PVS1 (RNA) met). Reported by one calibrated study to exhibit protein function similar to pathogenic control variants (PMID: 30209399) (PS3 met). Multifactorial likelihood ratio analysis using clinically calibrated data produced a combined LR for this variant of 1615.48 (based on Co-occurrence LR=1.298; Family History LR=1245.06), above the threshold for Very strong evidence towards pathogenicity (LR >350) (PP4_Very strong met; PMID: 17924331, 31853058). In summary, this variant meets the criteria to be classified as a Pathogenic variant for BRCA1-related cancer predisposition based on the ACMG/AMP criteria applied as specified by the ENIGMA BRCA1/2 VCEP (PVS1 (RNA), PS3, PP4_Very strong).

Labcorp Genetics (formerly Invitae), Labcorp
Classification: Pathogenic for Hereditary breast ovarian cancer syndrome. Last evaluated: 2025-11-01. Review status: criteria provided, single submitter. Criteria: Invitae Variant Classification Sherloc (09022015). Collection method: clinical testing. Allele origin: germline. Not counted in ClinVar's aggregate classification.
Comment: This sequence change falls in intron 4 of the BRCA1 gene. It does not directly change the encoded amino acid sequence of the BRCA1 protein. RNA analysis indicates that this variant induces altered splicing and may result in an absent or altered protein product. This variant is present in population databases (rs80358083, gnomAD 0.007%). This variant has been observed in individual(s) with breast and ovarian cancer (PMID: 9150151, 10090482, 10595255, 15026808, 16619214, 28294317). It has also been observed to segregate with disease in related individuals. This variant is also known as IVS5+3A>G. ClinVar contains an entry for this variant (Variation ID: 54467). Based on a multifactorial likelihood algorithm using genetic, in silico, and/or statistical data, this variant has been determined to have a high probability of being pathogenic (PMID: 21990134). Variants that disrupt the consensus splice site are a relatively common cause of aberrant splicing (PMID: 17576681, 9536098). Studies have shown that this variant alters mRNA splicing and is expected to lead to the loss of protein expression (PMID: 21673748, 24667779). For these reasons, this variant has been classified as Pathogenic.

Women's Health and Genetics/Laboratory Corporation of America, LabCorp
Classification: Pathogenic for Hereditary breast ovarian cancer syndrome. Last evaluated: 2025-07-21. Review status: criteria provided, single submitter. Criteria: LabCorp Variant Classification Summary - May 2015. Collection method: clinical testing. Allele origin: germline. Not counted in ClinVar's aggregate classification.
Comment: Variant summary: BRCA1 c.212+3A>G alters a conserved nucleotide located close to a canonical splice site and therefore could affect mRNA splicing, leading to a significantly altered protein sequence. Computational tools predict a significant impact on normal splicing: Two predict the variant weakens a canonical 5' donor site and one predicts the variant abolishes this site. One predicts the variant has no significant impact on splicing. At least one publication reports experimental evidence that this variant affects mRNA splicing (Steffensen_2014). The variant was absent in 249100 control chromosomes (gnomAD). c.212+3A>G has been observed in multiple individuals affected with Hereditary Breast And Ovarian Cancer Syndrome (e.g., Peelen_1997, van Heetvelde_2018). These data indicate that the variant is very likely to be associated with disease. At least one functional study reports experimental evidence evaluating an impact on protein function and showed a damaging effect of this variant on homology directed repair (HDR) activity (e.g. Findlay_2018). HDR assays qualify as a recognized gold standard on the basis of updated guidance provided by the ClinGen Sequence Variant Interpretation (SVI) working group. The following publications have been ascertained in the context of this evaluation (PMID: 30209399, 9150151, 29021971, 24667779). ClinVar contains an entry for this variant (Variation ID: 54467). Based on the evidence outlined above, the variant was classified as pathogenic.

Ambry Genetics
Classification: Pathogenic for Hereditary cancer-predisposing syndrome. Last evaluated: 2025-04-28. Review status: criteria provided, single submitter. Criteria: Ambry Variant Classification Scheme 2023. Collection method: clinical testing. Allele origin: germline. Not counted in ClinVar's aggregate classification.
Comment: The c.212+3A>G intronic pathogenic mutation (also known as IVS5+3A>G) results from an A to G substitution 3 nucleotides after coding exon 3 in the BRCA1 gene. This alteration has been detected in multiple breast and/or ovarian cancer families and is a known Belgian founder mutation, though it has also been reported in German, Dutch, and French families to date (Peelen T. Am. J. Hum. Genet. 1997 May; 60(5):1041-9; Claes K. Br. J. Cancer 2004 Mar; 90(6):1244-51; Claes K. Dis. Markers 1999 Oct; 15(1-3):69-73; Janaviius R. EPMA J 2010 Sep; 1(3):397-412). Although one study utilizing RT-PCR on patient RNA found no effect on normal splicing (Chen X. Hum. Mutat. 2006 May; 27(5):427-35), many other RNA assays show that this alteration results in the use of a cryptic donor site 22 nucleotides upstream from the native site, leading to a frameshift and premature stop codon (Ambry internal data; Meindl A et al. Int J Cancer, 2002 Feb;97:472-80; Houdayer C. Hum. Mutat. 2012 Aug; 33(8):1228-38; Th&eacute;ry JC. Eur. J. Hum. Genet. 2011 Oct; 19(10):1052-8; Steffensen AY. Eur. J. Hum. Genet. 2014 Dec; 22(12):1362-8; Sanz DJ. Clin. Cancer Res. 2010 Mar; 16(6):1957-67). One functional study found that this nucleotide substitution is non-functional in a high-throughput, genome editing, haploid cell survival assay (Findlay GM et al. Nature, 2018 10;562:217-222). Many other alterations impacting the same donor (c.211A>G, c.212G>A, c.212+1G>T, c.212+1G>A, c.212+2T>C) have been shown to have a similar and complete impact on splicing (Vega A et al. Hum Mutat, 2001 Jun;17:520-1; Caleca L et al. PLoS One, 2014 Feb;9:e86924; Colombo M et al. PLoS One, 2013 Feb;8:e57173; Friedman LS et al. Am J Hum Genet, 1995 Dec;57:1284-97; Meindl A et al. Int J Cancer, 2002 Feb;97:472-80; Houdayer C. Hum. Mutat. 2012 Aug; 33(8):1228-38; Sanz DJ. Clin. Cancer Res. 2010 Mar; 16(6):1957-67). Based on the supporting evidence, this alteration is interpreted as a disease-causing mutation.

NM_007294.4(BRCA1):c.212+3A>G

Gene: BRCA1 (BRCA1 DNA repair associated; minus strand). Cytogenetic location: 17q21.31.
Variant type: single nucleotide variant.
Coding change: c.212+3A>G on transcript NM_007294.4 (MANE Select); 3 bases into the intron after coding-DNA position 212, A replaced by G.
Molecular consequence: intron variant.
Genome position (GRCh38, 1-based): chr17:43,106,453, T>C on the plus strand (A>G on the coding strand, the complement: BRCA1 is on the minus strand). VCF-style: chr17-43106453-T-C. GRCh37 (hg19) VCF-style: chr17-41258470-T-C.
Other names: IVS5+3A>G; c.71+3A>G (NM_001408458.1, NM_001407931.1, NM_001407747.1 and 99 more transcripts); c.-218-11593A>G (NM_001407967.1, NM_001407966.1); c.-169-1497A>G (NM_001407959.1, NM_001407962.1, NM_001408512.1 and 4 more transcripts); c.2+25A>G (NM_001407885.1, NM_001407886.1, NM_001407898.1 and 58 more transcripts); c.212+3A>G (NM_001407686.1, NM_001408397.1, NM_001407632.1 and 167 more transcripts); c.81-1497A>G (NM_001408451.1); c.135-1497A>G (NM_001408475.1, NM_001407875.1, NM_001407659.1 and 21 more transcripts).
Identifiers: ClinVar variation 54467 (VCV000054467.35), dbSNP rs80358083, ClinGen allele CA001412.